The following is an entry in ClinVar:

ClinVar aggregate classification (germline): Conflicting classifications of pathogenicity. Review status: criteria provided, conflicting classifications (1 of 4 stars). 2 submissions from 2 submitters: Likely pathogenic (1); Uncertain significance (1). Last evaluated 2025-12-17.

Conditions:
Long QT syndrome (LQTS). Identifiers: MedGen C0023976, MeSH D008133, MONDO:0002442. Disease mechanism: loss of function. Inheritance: Various modes of inheritance.
Long QT syndrome 1 (LQT1). Identifiers: Orphanet 101016, Orphanet 768, MedGen C4551647, MONDO:0100316, OMIM 192500, MONDO:0008646.

Submissions (2):

3billion
Classification: Uncertain significance for Long QT syndrome 1. Last evaluated: 2025-12-17. Review status: criteria provided, single submitter. Criteria: ACMG Guidelines, 2015. Collection method: clinical testing. Allele origin: germline. Affected: yes.
Comment: The variant is not observed in the gnomAD v4.1.0 dataset. Predicted Consequence/Location: Missense variant In silico tool predictions suggest damaging effect of the variant on gene or gene product [REVEL: 0.96 (>=0.6, sensitivity 0.68 and specificity 0.92); 3Cnet: 0.99 (> 0.75, sensitivity 0.96 and precision 0.92)]. The same nucleotide change resulting in the same amino acid change has been previously reported to be associated with KCNQ1-related disorder (ClinVar ID: VCV000405263). However, the evidence of pathogenicity is insufficient at this time. Different missense changes at the same codon (p.Ala283Gly, p.Ala283Thr, p.Ala283Val) have been reported to be associated with KCNQ1-related disorder (ClinVar ID: VCV000067114 /PMID: 19716085, 23571586, 28747690). Therefore, this variant is classified as VUS according to the recommendation of ACMG/AMP guideline.

Labcorp Genetics (formerly Invitae), Labcorp
Classification: Likely pathogenic for Long QT syndrome. Last evaluated: 2022-11-29. Review status: criteria provided, single submitter. Criteria: Invitae Variant Classification Sherloc (09022015). Collection method: clinical testing. Allele origin: germline.
Comment: In summary, the currently available evidence indicates that the variant is pathogenic, but additional data are needed to prove that conclusively. Therefore, this variant has been classified as Likely Pathogenic. Advanced modeling of protein sequence and biophysical properties (such as structural, functional, and spatial information, amino acid conservation, physicochemical variation, residue mobility, and thermodynamic stability) performed at Invitae indicates that this missense variant is expected to disrupt KCNQ1 protein function. ClinVar contains an entry for this variant (Variation ID: 405263). This missense change has been observed in individual(s) with Jervell and Lange-Nielsen syndrome (external communication). In at least one individual the data is consistent with being in trans (on the opposite chromosome) from a pathogenic variant. This variant is not present in population databases (gnomAD no frequency). This sequence change replaces alanine, which is neutral and non-polar, with proline, which is neutral and non-polar, at codon 283 of the KCNQ1 protein (p.Ala283Pro).

Literature cited by the submitters: PubMed 19716085 (cited by 3billion).

NM_000218.3(KCNQ1):c.847G>C (p.Ala283Pro)

Gene: KCNQ1 (potassium voltage-gated channel subfamily Q member 1; plus strand). Cytogenetic location: 11p15.5.
Variant type: single nucleotide variant.
Coding change: c.847G>C on transcript NM_000218.3 (MANE Select); coding-DNA position 847, G replaced by C.
Protein change: p.Ala283Pro; replaces alanine 283 with proline.
Molecular consequence: missense variant.
Genome position (GRCh38, 1-based): chr11:2,572,912, G>C. VCF-style: chr11-2572912-G-C. GRCh37 (hg19) VCF-style: chr11-2594142-G-C.
Other names: c.847G>C, p.Ala283Pro (NM_001406836.1); c.577G>C, p.Ala193Pro (NM_001406837.1); c.466G>C, p.Ala156Pro (NM_181798.2); short protein forms A156P, A283P, A193P.
Identifiers: ClinVar variation 405263 (VCV000405263.11), dbSNP rs1060500627, ClinGen allele CA16613511.